The following is an entry in ClinVar:

ClinVar aggregate classification (germline): Conflicting classifications of pathogenicity. Review status: criteria provided, conflicting classifications (1 of 4 stars). 2 submissions from 2 submitters: Uncertain significance (1); Likely benign (1). Last evaluated 2026-09-06.

Conditions:
Cardiovascular phenotype. Identifiers: MedGen CN230736.
Arrhythmogenic cardiomyopathy with wooly hair and keratoderma. Also called: Dilated cardiomyopathy with woolly hair and keratoderma; Arrhythmogenic cardiomyopathy with woolly hair and keratoderma; PALMOPLANTAR KERATODERMA WITH LEFT VENTRICULAR CARDIOMYOPATHY AND WOOLLY HAIR; Carvajal syndrome. Identifiers: Orphanet 65282, MedGen C1854063, MONDO:0011581, OMIM 605676.
Arrhythmogenic right ventricular dysplasia 8 (ARVD8). Also called: Arrhythmogenic Right Ventricular Dysplasia/Cardiomyopathy 8; ARRHYTHMOGENIC RIGHT VENTRICULAR DYSPLASIA, FAMILIAL, 8; ARRHYTHMOGENIC RIGHT VENTRICULAR CARDIOMYOPATHY 8. Identifiers: MedGen C1843896, MONDO:0011831, OMIM 607450.

Allele frequency attached by ClinVar (database versions not stated): ExAC 0.00001.

Submissions (2):

Ambry Genetics
Classification: Uncertain significance for Cardiovascular phenotype. Last evaluated: 2026-09-06. Review status: criteria provided, single submitter. Criteria: Ambry Variant Classification Scheme 2023. Collection method: clinical testing. Allele origin: germline.
Comment: The p.T842S variant (also known as c.2525C>G), located in coding exon 18 of the DSP gene, results from a C to G substitution at nucleotide position 2525. The threonine at codon 842 is replaced by serine, an amino acid with similar properties. This amino acid position is conserved. In addition, this alteration is predicted to be tolerated by in silico analysis. Based on the available evidence, the clinical significance of this variant remains unclear.

Labcorp Genetics (formerly Invitae), Labcorp
Classification: Likely benign for Arrhythmogenic cardiomyopathy with wooly hair and keratoderma; Arrhythmogenic right ventricular dysplasia 8. Last evaluated: 2024-01-02. Review status: criteria provided, single submitter. Criteria: Invitae Variant Classification Sherloc (09022015). Collection method: clinical testing. Allele origin: germline.

NM_004415.4(DSP):c.2525C>G (p.Thr842Ser)

Gene: DSP (desmoplakin; plus strand). Cytogenetic location: 6p24.3.
Variant type: single nucleotide variant.
Coding change: c.2525C>G on transcript NM_004415.4 (MANE Select); coding-DNA position 2525, C replaced by G.
Protein change: p.Thr842Ser; replaces threonine 842 with serine.
Molecular consequence: missense variant.
Genome position (GRCh38, 1-based): chr6:7,575,383, C>G. VCF-style: chr6-7575383-C-G. GRCh37 (hg19) VCF-style: chr6-7575616-C-G.
Other names: c.2525C>G, p.Thr842Ser (NM_001008844.3, NM_001319034.2); short protein forms T842S.
Identifiers: ClinVar variation 2952976 (VCV002952976.4), dbSNP rs147106834, ClinGen allele CA033726.